The following is an entry in ClinVar:

NM_013962.3(NRG1):c.224T>C (p.Leu75Pro)

Gene: NRG1 (neuregulin 1; plus strand). Cytogenetic location: 8p12.
Variant type: single nucleotide variant.
Coding change: c.224T>C on transcript NM_013962.3; coding-DNA position 224, T replaced by C.
Protein change: p.Leu75Pro; replaces leucine 75 with proline.
Molecular consequence: missense variant. On other transcripts: intron variant (5).
Genome position (GRCh38, 1-based): chr8:31,640,208, T>C. VCF-style: chr8-31640208-T-C. GRCh37 (hg19) VCF-style: chr8-31497724-T-C.
Other names: c.37+777T>C (NM_001159999.3, NM_001159995.3, NM_001160001.3); c.-556+777T>C (NM_001322201.2); c.-505+777T>C (NM_001322202.2); short protein forms L75P.
Identifiers: ClinVar variation 3056685 (VCV003056685.2), dbSNP rs199941564, ClinGen allele CA4705331.

ClinVar aggregate classification (germline): Benign (0 of 4 stars; one submission).

Conditions:
NRG1-related disorder. Also called: NRG1-related condition.

Allele frequency attached by ClinVar (database versions not stated): gnomAD exomes 0.00027; gnomAD 0.00066; TOPMed 0.00106; 1000 Genomes Project 30x 0.00281.
gnomAD v4.1: 391 of 1,166,692 alleles (0.034%); highest among the groups gnomAD compares: East Asian, 1.3%; 6 homozygotes.

Submission:

PreventionGenetics, part of Exact Sciences
Classification: Benign for NRG1-related condition. Last evaluated: 2019-08-07. Review status: no assertion criteria provided. Collection method: clinical testing. Allele origin: germline.
Comment: This variant is classified as benign based on ACMG/AMP sequence variant interpretation guidelines (Richards et al. 2015 PMID: 25741868, with internal and published modifications).